The following is an entry in ClinVar:

NM_001256545.2(MEGF10):c.2110C>T (p.Pro704Ser)

Gene: MEGF10 (multiple EGF like domains 10; plus strand). Cytogenetic location: 5q23.2.
Variant type: single nucleotide variant.
Coding change: c.2110C>T on transcript NM_001256545.2 (MANE Select); coding-DNA position 2110, C replaced by T.
Protein change: p.Pro704Ser; replaces proline 704 with serine.
Molecular consequence: missense variant.
Genome position (GRCh38, 1-based): chr5:127,438,444, C>T. VCF-style: chr5-127438444-C-T. GRCh37 (hg19) VCF-style: chr5-126774136-C-T.
Other names: c.2110C>T, p.Pro704Ser (NM_032446.3); short protein forms P704S.
Identifiers: ClinVar variation 1020874 (VCV001020874.9), dbSNP rs1765635260, ClinGen allele CA360732771.

ClinVar aggregate classification (germline): Uncertain significance (1 of 4 stars; one submission).

Conditions:
MEGF10-related myopathy (CMYO10A). Also called: Congenital myopathy 10A, severe variant. Identifiers: Orphanet 439212, MedGen C3280679, MONDO:0013731, OMIM 614399.

Allele frequency attached by ClinVar (database versions not stated): gnomAD exomes below 0.00001; TOPMed below 0.00001; gnomAD 0.00001.
gnomAD v4.1: 3 of 1,613,782 alleles (0.00019%); highest among the groups gnomAD compares: Non-Finnish European, 0.00025%; no homozygotes.

Submission:

Labcorp Genetics (formerly Invitae), Labcorp
Classification: Uncertain significance for MEGF10-related myopathy. Last evaluated: 2022-05-06. Review status: criteria provided, single submitter. Criteria: Invitae Variant Classification Sherloc (09022015). Collection method: clinical testing. Allele origin: germline.
Comment: In summary, the available evidence is currently insufficient to determine the role of this variant in disease. Therefore, it has been classified as a Variant of Uncertain Significance. Algorithms developed to predict the effect of missense changes on protein structure and function are either unavailable or do not agree on the potential impact of this missense change (SIFT: "Deleterious"; PolyPhen-2: "Probably Damaging"; Align-GVGD: "Class C0"). ClinVar contains an entry for this variant (Variation ID: 1020874). This variant has not been reported in the literature in individuals affected with MEGF10-related conditions. This variant is not present in population databases (gnomAD no frequency). This sequence change replaces proline, which is neutral and non-polar, with serine, which is neutral and polar, at codon 704 of the MEGF10 protein (p.Pro704Ser).